The following is an entry in ClinVar:

ClinVar aggregate classification (germline): Uncertain significance (1 of 4 stars; one submission).

Conditions:
Epidermolysis bullosa simplex 5C, with pyloric atresia (EBS5C). Also called: PLEC-Related Epidermolysis Bullosa with Pyloric Atresia; Epidermolysis bullosa simplex with pyloric atresia; PLEC1-Related Epidermolysis Bullosa with Pyloric Atresia. Identifiers: Orphanet 158684, MedGen C2677349, MONDO:0012807, OMIM 612138.
Epidermolysis bullosa simplex 5B, with muscular dystrophy (EBS5B). Also called: Epidermolysis bullosa simplex with muscular dystrophy; EPIDERMOLYSIS BULLOSA SIMPLEX AND LIMB-GIRDLE MUSCULAR DYSTROPHY. Identifiers: Orphanet 257, MedGen C2931072, MONDO:0009181, OMIM 226670.
Epidermolysis bullosa simplex, Ogna type (EBS5A). Also called: Pidermolysis bullosa simplex 5A, Ogna type; EPIDERMOLYSIS BULLOSA SIMPLEX 5A, OGNA TYPE. Identifiers: Orphanet 79401, MedGen C0432317, MONDO:0007555, OMIM 131950.
Autosomal recessive limb-girdle muscular dystrophy type 2Q (LGMDR17). Also called: MUSCULAR DYSTROPHY, LIMB-GIRDLE, AUTOSOMAL RECESSIVE 17. Identifiers: Orphanet 254361, MedGen C3150989, MONDO:0013390, OMIM 613723.
Epidermolysis bullosa simplex with nail dystrophy (EBS5D). Identifiers: MedGen C4225309, MONDO:0014661, OMIM 616487.

Allele frequency attached by ClinVar (database versions not stated): TOPMed below 0.00001; gnomAD 0.00001.
gnomAD v4.1: 19 of 1,550,842 alleles (0.0012%); highest among the groups gnomAD compares: Non-Finnish European, 0.0016%; no homozygotes.

Submission:

Labcorp Genetics (formerly Invitae), Labcorp
Classification: Uncertain significance for Autosomal recessive limb-girdle muscular dystrophy type 2Q; Epidermolysis bullosa simplex, Ogna type; Epidermolysis bullosa simplex with nail dystrophy; Epidermolysis bullosa simplex 5C, with pyloric atresia; Epidermolysis bullosa simplex 5B, with muscular dystrophy. Last evaluated: 2022-07-18. Review status: criteria provided, single submitter. Criteria: Invitae Variant Classification Sherloc (09022015). Collection method: clinical testing. Allele origin: germline.
Comment: ClinVar contains an entry for this variant (Variation ID: 950233). This variant has not been reported in the literature in individuals affected with PLEC-related conditions. This variant is not present in population databases (gnomAD no frequency). This sequence change replaces alanine, which is neutral and non-polar, with valine, which is neutral and non-polar, at codon 1637 of the PLEC protein (p.Ala1637Val). In summary, the available evidence is currently insufficient to determine the role of this variant in disease. Therefore, it has been classified as a Variant of Uncertain Significance. Algorithms developed to predict the effect of missense changes on protein structure and function are either unavailable or do not agree on the potential impact of this missense change (SIFT: "Deleterious"; PolyPhen-2: "Not Available"; Align-GVGD: "Class C55").

NM_201384.3(PLEC):c.4829C>T (p.Ala1610Val)

Gene: PLEC (plectin; minus strand). Cytogenetic location: 8q24.3.
Variant type: single nucleotide variant.
Coding change: c.4829C>T on transcript NM_201384.3 (MANE Select); coding-DNA position 4829, C replaced by T.
Protein change: p.Ala1610Val; replaces alanine 1610 with valine.
Molecular consequence: missense variant.
Genome position (GRCh38, 1-based): chr8:143,925,100, G>A on the plus strand (C>T on the coding strand, the complement: PLEC is on the minus strand). VCF-style: chr8-143925100-G-A. GRCh37 (hg19) VCF-style: chr8-144999268-G-A.
Other names: c.4910C>T, p.Ala1637Val (NM_000445.5); c.4787C>T, p.Ala1596Val (NM_201378.4); c.4763C>T, p.Ala1588Val (NM_201379.3); c.5240C>T, p.Ala1747Val (NM_201380.4); c.4733C>T, p.Ala1578Val (NM_201381.3); c.4829C>T, p.Ala1610Val (NM_201382.4); c.4841C>T, p.Ala1614Val (NM_201383.3); short protein forms A1578V, A1596V, A1747V, A1588V, A1610V, A1614V, A1637V.
Identifiers: ClinVar variation 950233 (VCV000950233.7), dbSNP rs1554700719, ClinGen allele CA372552494.